The following is an entry in ClinVar:

NM_000548.5(TSC2):c.3648del (p.Ser1217fs)

Gene: TSC2 (TSC complex subunit 2; plus strand). Cytogenetic location: 16p13.3.
Variant type: Deletion.
Coding change: c.3648del on transcript NM_000548.5 (MANE Select); coding-DNA position 3648, one base deleted (C; older notation c.3648delC).
Protein change: p.Ser1217fs; shifts the reading frame from serine 1217.
Molecular consequence: frameshift variant.
Genome position (GRCh38, 1-based): chr16:2,081,632, C deleted. VCF-style (leftmost placement, unchanged base first): chr16-2081631-TC-T. GRCh37 (hg19) VCF-style: chr16-2131632-TC-T.
Other names: c.3372del, p.Ser1125fs (NM_001318829.2); c.2916del, p.Ser973fs (NM_001318831.2); c.3549del, p.Ser1184fs (NM_001318832.2); c.3519del, p.Ser1174fs (NM_001363528.2, NM_001370405.1, NM_021055.3); c.3516del, p.Ser1173fs (NM_001370404.1, NM_001077183.3); c.3645delC, p.Ser1216Alafs (NM_001406663.1, NM_001406664.1); c.3516delC, p.Ser1173Alafs (NM_001406665.1); c.3609delC, p.Ser1204Alafs (NM_001406667.1); and 20 more; short protein forms S1137fs, S1184fs, S1174fs, S1125fs, S1173fs, S1217fs, S973fs.
Identifiers: ClinVar variation 2004526 (VCV002004526.4), dbSNP rs2544154145, ClinGen allele CA2580091012.
Genomic context (GRCh38, chr16:2,081,631, plus strand): 5'-CCAAAGGTGCTGCCGCCTCCGCAGGGAACACCAGCTGGCTGATGAGCCTGGAGAACCCGC[TC>T]AGCCCTTTCTCCTCGGACATCAACAACATGCCCCTGCAGGAGCTGTCTAACGCCCTCATG-3'

ClinVar aggregate classification (germline): Pathogenic/Likely pathogenic. Review status: criteria provided, multiple submitters, no conflicts (2 of 4 stars). 2 submissions from 2 submitters: Pathogenic (1); Likely pathogenic (1). Last evaluated 2023-09-06.

Conditions:
Tuberous sclerosis 2 (TSC2). Identifiers: Orphanet 805, MedGen C1860707, MONDO:0013199, OMIM 613254.

Submissions (2):

ARUP Laboratories, Molecular Genetics and Genomics, ARUP Laboratories
Classification: Likely pathogenic. Last evaluated: 2023-09-06. Review status: criteria provided, single submitter. Criteria: ARUP Molecular Germline Variant Investigation Process 2024. Collection method: clinical testing. Allele origin: germline.
Comment: The TSC2 c.3648del; p.Ser1217AlafsTer108 variant, to our knowledge, is not reported in the medical literature but is reported in ClinVar (Variation ID: 2004526). This variant is absent from the Genome Aggregation Database, indicating it is not a common polymorphism. This variant causes a frameshift by deleting a single nucleotide, so it is predicted to result in a truncated protein or mRNA subject to nonsense-mediated decay. Based on available information, this variant is considered to be likely pathogenic.

Labcorp Genetics (formerly Invitae), Labcorp
Classification: Pathogenic for Tuberous sclerosis 2. Last evaluated: 2022-06-10. Review status: criteria provided, single submitter. Criteria: Invitae Variant Classification Sherloc (09022015). Collection method: clinical testing. Allele origin: germline.
Comment: For these reasons, this variant has been classified as Pathogenic. This variant has not been reported in the literature in individuals affected with TSC2-related conditions. This variant is not present in population databases (gnomAD no frequency). This sequence change creates a premature translational stop signal (p.Ser1217Alafs*108) in the TSC2 gene. It is expected to result in an absent or disrupted protein product. Loss-of-function variants in TSC2 are known to be pathogenic (PMID: 10205261, 17304050).

Literature cited by the submitters: PubMed 10205261 (cited by Labcorp Genetics (formerly Invitae), Labcorp); PubMed 17304050 (cited by Labcorp Genetics (formerly Invitae), Labcorp).